The following is an entry in ClinVar:

NM_058216.3(RAD51C):c.588G>A (p.Leu196=)

Gene: RAD51C (RAD51 paralog C; plus strand). Cytogenetic location: 17q22.
Variant type: single nucleotide variant.
Coding change: c.588G>A on transcript NM_058216.3 (MANE Select); coding-DNA position 588, G replaced by A.
Protein change: p.Leu196=; no amino-acid change (leucine 196 retained).
Molecular consequence: synonymous variant. On other transcripts: non-coding transcript variant (1).
Genome position (GRCh38, 1-based): chr17:58,703,212, G>A. VCF-style: chr17-58703212-G-A. GRCh37 (hg19) VCF-style: chr17-56780573-G-A.
Identifiers: ClinVar variation 480495 (VCV000480495.15), dbSNP rs1555597088, ClinGen allele CA501075195.

ClinVar aggregate classification (germline): Benign/Likely benign. Review status: criteria provided, multiple submitters, no conflicts (2 of 4 stars). 4 submissions from 4 submitters: Benign (1); Likely benign (3). Last evaluated 2025-12-15.

Conditions:
Fanconi anemia complementation group O. Also called: RAD51C-Related Fanconi Anemia. Identifiers: Orphanet 84, MedGen C3150653, MONDO:0013248, OMIM 613390.
Hereditary cancer-predisposing syndrome. Also called: Hereditary neoplastic syndrome; Neoplastic Syndromes, Hereditary; Tumor predisposition; Hereditary Cancer Syndrome. Identifiers: Orphanet 140162, MedGen C0027672, MeSH D009386, MONDO:0015356.
Breast-ovarian cancer, familial, susceptibility to, 3. Also called: RAD51C-Related Breast/Ovarian Cancer. Identifiers: Orphanet 145, MedGen C3150659, MONDO:0013253, OMIM 613399.

Allele frequency attached by ClinVar (database versions not stated): gnomAD exomes below 0.00001.

Submissions (4):

Color Diagnostics, LLC DBA Color Health
Classification: Likely benign for Hereditary cancer-predisposing syndrome. Last evaluated: 2025-12-15. Review status: criteria provided, single submitter. Criteria: ACMG Guidelines, 2015. Collection method: clinical testing. Allele origin: germline.

Myriad Genetics, Inc.
Classification: Benign for Breast-ovarian cancer, familial, susceptibility to, 3. Last evaluated: 2025-02-18. Review status: criteria provided, single submitter. Criteria: Myriad Autosomal Dominant, Autosomal Recessive and X-Linked Classification Criteria (2023). Collection method: clinical testing. Allele origin: unknown.
Comment: This variant is considered benign. This variant is a silent/synonymous amino acid change and it is not expected to impact splicing.

Labcorp Genetics (formerly Invitae), Labcorp
Classification: Likely benign for Fanconi anemia complementation group O. Last evaluated: 2024-11-04. Review status: criteria provided, single submitter. Criteria: Invitae Variant Classification Sherloc (09022015). Collection method: clinical testing. Allele origin: germline.

Ambry Genetics
Classification: Likely benign for Hereditary cancer-predisposing syndrome. Last evaluated: 2016-01-14. Review status: criteria provided, single submitter. Criteria: Ambry Variant Classification Scheme 2023. Collection method: clinical testing. Allele origin: germline.